The following is an entry in ClinVar:

ClinVar aggregate classification (germline): Uncertain significance (1 of 4 stars; one submission).

Conditions:
Primary ciliary dyskinesia 5. Also called: CILIARY DYSKINESIA, PRIMARY, 5, WITHOUT SITUS INVERSUS. Identifiers: Orphanet 244, MedGen C1837615, MONDO:0012088, OMIM 608647.

Submission:

Royal Brompton Clinical Genetics And Genomics Laboratory, NHS South East Genomic Laboratory Hub
Classification: Uncertain significance for Primary ciliary dyskinesia 5. Last evaluated: 2024-03-06. Review status: criteria provided, single submitter. Criteria: RBHT-CGGL ClinVar Assertion Criteria. Collection method: clinical testing. Allele origin: germline. Affected: yes. Observed: 1 variant allele.

NM_001270974.2(HYDIN):c.13680-3A>G

Gene: HYDIN (HYDIN axonemal central pair apparatus protein; minus strand). Cytogenetic location: 16q22.2.
Variant type: single nucleotide variant.
Coding change: c.13680-3A>G on transcript NM_001270974.2 (MANE Select); 3 bases into the intron before coding-DNA position 13680, A replaced by G.
Molecular consequence: intron variant.
Genome position (GRCh38, 1-based): chr16:70,833,070, T>C on the plus strand (A>G on the coding strand, the complement: HYDIN is on the minus strand). VCF-style: chr16-70833070-T-C. GRCh37 (hg19) VCF-style: chr16-70866973-T-C.
Identifiers: ClinVar variation 3027475 (VCV003027475.1), dbSNP rs2507882558, ClinGen allele CA2740093413.
Genomic context (GRCh38, chr16:70,833,070, plus strand): 5'-GCCTTCTTCTGGGCTAATGGAGAAATGAGGCTCAAATTTTTTGATGTCCCATTTAAACCT[T>C]TTCCAAGAAAAAGAAGAAAAGAAAGAGAGTTTATGGATGTTGTAAGGGTGTCCTCAATGC-3'